The following is an entry in ClinVar:

ClinVar aggregate classification (germline): Uncertain significance (1 of 4 stars; one submission).

Conditions:
Congenital myopathy with internal nuclei and atypical cores. Also called: Myopathy, centronuclear, 4. Identifiers: Orphanet 319160, MedGen C4707232, MONDO:0013890, OMIM 614807.

Allele frequency attached by ClinVar (database versions not stated): gnomAD exomes below 0.00001; TOPMed below 0.00001; ExAC 0.00001.
gnomAD v4.1: 1 of 1,612,172 alleles (0.000062%); highest among the groups gnomAD compares: South Asian, 0.0011%; no homozygotes.

Submission:

Labcorp Genetics (formerly Invitae), Labcorp
Classification: Uncertain significance for Congenital myopathy with internal nuclei and atypical cores. Last evaluated: 2022-11-02. Review status: criteria provided, single submitter. Criteria: Invitae Variant Classification Sherloc (09022015). Collection method: clinical testing. Allele origin: germline.
Comment: Advanced modeling of protein sequence and biophysical properties (such as structural, functional, and spatial information, amino acid conservation, physicochemical variation, residue mobility, and thermodynamic stability) performed at Invitae indicates that this missense variant is not expected to disrupt CCDC78 protein function. This variant has not been reported in the literature in individuals affected with CCDC78-related conditions. This variant is present in population databases (rs746845893, gnomAD 0.003%). This sequence change replaces alanine, which is neutral and non-polar, with threonine, which is neutral and polar, at codon 432 of the CCDC78 protein (p.Ala432Thr). In summary, the available evidence is currently insufficient to determine the role of this variant in disease. Therefore, it has been classified as a Variant of Uncertain Significance. Algorithms developed to predict the effect of sequence changes on RNA splicing suggest that this variant may disrupt the consensus splice site.

NM_001378030.1(CCDC78):c.1298G>A (p.Gly433Asp)

Gene: CCDC78 (coiled-coil domain containing 78; minus strand). Cytogenetic location: 16p13.3.
Variant type: single nucleotide variant.
Coding change: c.1298G>A on transcript NM_001378030.1 (MANE Select); coding-DNA position 1298, G replaced by A.
Protein change: p.Gly433Asp; replaces glycine 433 with aspartic acid.
Molecular consequence: missense variant. On other transcripts: non-coding transcript variant (5).
Genome position (GRCh38, 1-based): chr16:722,925, C>T on the plus strand (G>A on the coding strand, the complement: CCDC78 is on the minus strand). VCF-style: chr16-722925-C-T. GRCh37 (hg19) VCF-style: chr16-772925-C-T.
Other names: c.1294G>A, p.Ala432Thr (NM_001031737.3); c.1118G>A, p.Gly373Asp (NM_001378031.1); c.731G>A, p.Gly244Asp (NM_001378033.1); short protein forms G373D, A432T, G244D, G433D.
Identifiers: ClinVar variation 2913804 (VCV002913804.3), dbSNP rs746845893, ClinGen allele CA7789089.
Genomic context (GRCh38, chr16:722,925, plus strand): 5'-ATCCTTCATTCCAACCAGACCAGGGCCCTGGGGTCACACCCAGCTCCCTCTGCCCACCTG[C>T]CCAGGTGCTGGTCCACGTACTCCTGTAGCTCAGAAAGTTGCTCTTCAGCCATCGTGGCCC-3'
Protein context (NP_001364959.1, residues 423-443): ELQEYVDQHL[Gly433Asp]RYKHEILRLR